The following is an entry in ClinVar:

ClinVar aggregate classification (germline): Uncertain significance (1 of 4 stars; one submission).

Conditions:
Inborn genetic diseases. Identifiers: MedGen C0950123, MeSH D030342.

Submission:

Ambry Genetics
Classification: Uncertain significance for Inborn genetic diseases. Last evaluated: 2023-02-03. Review status: criteria provided, single submitter. Criteria: Ambry Variant Classification Scheme 2023. Collection method: clinical testing. Allele origin: germline.
Comment: The p.I2603T variant (also known as c.7808T>C), located in coding exon 47 of the ATR gene, results from a T to C substitution at nucleotide position 7808. The isoleucine at codon 2603 is replaced by threonine, an amino acid with similar properties. This amino acid position is conserved. In addition, the in silico prediction for this alteration is inconclusive. Since supporting evidence is limited at this time, the clinical significance of this alteration remains unclear.

NM_001184.4(ATR):c.7808T>C (p.Ile2603Thr)

Gene: ATR (ATR checkpoint kinase; minus strand). Cytogenetic location: 3q23.
Variant type: single nucleotide variant.
Coding change: c.7808T>C on transcript NM_001184.4 (MANE Select); coding-DNA position 7808, T replaced by C.
Protein change: p.Ile2603Thr; replaces isoleucine 2603 with threonine.
Molecular consequence: missense variant.
Genome position (GRCh38, 1-based): chr3:142,449,556, A>G on the plus strand (T>C on the coding strand, the complement: ATR is on the minus strand). VCF-style: chr3-142449556-A-G. GRCh37 (hg19) VCF-style: chr3-142168398-A-G.
Other names: c.7616T>C, p.Ile2539Thr (NM_001354579.2); short protein forms I2539T, I2603T.
Identifiers: ClinVar variation 2453582 (VCV002453582.2), dbSNP rs2473009121, ClinGen allele CA354793891.
Genomic context (GRCh38, chr3:142,449,556, plus strand): 5'-AGGTAATGCACATGTCCTTCAATAGATAACGGCAGTCCTGTCACTCTATTTCGAGTCTTG[A>G]TTACACCTTGTAGTCGCTGCTCAATGTCAAGAACATGGGTCTTGGCCTAAAAAGAAGAAA-3'
Protein context (NP_001175.2, residues 2593-2613): LDIEQRLQGV[Ile2603Thr]KTRNRVTGLP